The following is an entry in ClinVar:

ClinVar aggregate classification (germline): Uncertain significance (1 of 4 stars; one submission).

Conditions:
Inborn genetic diseases. Identifiers: MedGen C0950123, MeSH D030342.

gnomAD v4.1: 2 of 1,610,592 alleles (0.00012%); highest among the groups gnomAD compares: Non-Finnish European, 0.00017%; no homozygotes.

Submission:

Ambry Genetics
Classification: Uncertain significance for Inborn genetic diseases. Last evaluated: 2024-11-28. Review status: criteria provided, single submitter. Criteria: Ambry Variant Classification Scheme 2023. Collection method: clinical testing. Allele origin: germline.
Comment: The p.Q1544R variant (also known as c.4631A>G), located in coding exon 31 of the ANKRD26 gene, results from an A to G substitution at nucleotide position 4631. The glutamine at codon 1544 is replaced by arginine, an amino acid with highly similar properties. This amino acid position is conserved. In addition, this alteration is predicted to be tolerated by in silico analysis. Based on the available evidence, the clinical significance of this variant remains unclear.

NM_014915.3(ANKRD26):c.4631A>G (p.Gln1544Arg)

Gene: ANKRD26 (ankyrin repeat domain containing 26; minus strand). Cytogenetic location: 10p12.1.
Variant type: single nucleotide variant.
Coding change: c.4631A>G on transcript NM_014915.3 (MANE Select); coding-DNA position 4631, A replaced by G.
Protein change: p.Gln1544Arg; replaces glutamine 1544 with arginine.
Molecular consequence: missense variant.
Genome position (GRCh38, 1-based): chr10:27,014,587, T>C on the plus strand (A>G on the coding strand, the complement: ANKRD26 is on the minus strand). VCF-style: chr10-27014587-T-C. GRCh37 (hg19) VCF-style: chr10-27303516-T-C.
Other names: c.4628A>G, p.Gln1543Arg (NM_001256053.2); short protein forms Q1543R, Q1544R.
Identifiers: ClinVar variation 3396897 (VCV003396897.1).